The following is an entry in ClinVar:

NM_153240.5(NPHP3):c.1487A>G (p.Gln496Arg)

Genes: NPHP3 (nephrocystin 3; minus strand), NPHP3-ACAD11 (NPHP3-ACAD11 readthrough (NMD candidate); minus strand). Cytogenetic location: 3q22.1.
Variant type: single nucleotide variant.
Coding change: c.1487A>G on transcript NM_153240.5 (MANE Select); coding-DNA position 1487, A replaced by G.
Protein change: p.Gln496Arg; replaces glutamine 496 with arginine.
Molecular consequence: missense variant. On other transcripts: non-coding transcript variant (1).
Genome position (GRCh38, 1-based): chr3:132,704,235, T>C on the plus strand (A>G on the coding strand, the complement: NPHP3 is on the minus strand). VCF-style: chr3-132704235-T-C. GRCh37 (hg19) VCF-style: chr3-132423079-T-C.
Other names: short protein forms Q496R.
Identifiers: ClinVar variation 969734 (VCV000969734.9), dbSNP rs1939688689, ClinGen allele CA354584396.

ClinVar aggregate classification (germline): Uncertain significance (1 of 4 stars; one submission).

Conditions:
Nephronophthisis. Also called: Juvenile Nephronophthisis. Identifiers: Orphanet 655, MedGen C0687120, MONDO:0019005, HP:0000090.

Submission:

Labcorp Genetics (formerly Invitae), Labcorp
Classification: Uncertain significance for Nephronophthisis. Last evaluated: 2019-11-07. Review status: criteria provided, single submitter. Criteria: Invitae Variant Classification Sherloc (09022015). Collection method: clinical testing. Allele origin: germline.
Comment: This variant has not been reported in the literature in individuals with NPHP3-related conditions. This variant is not present in population databases (ExAC no frequency). Algorithms developed to predict the effect of missense changes on protein structure and function output the following: SIFT: "Tolerated"; PolyPhen-2: "Benign"; Align-GVGD: "Class C0". The arginine amino acid residue is found in multiple mammalian species, suggesting that this missense change does not adversely affect protein function. These predictions have not been confirmed by published functional studies and their clinical significance is uncertain. In summary, the available evidence is currently insufficient to determine the role of this variant in disease. Therefore, it has been classified as a Variant of Uncertain Significance. This sequence change replaces glutamine with arginine at codon 496 of the NPHP3 protein (p.Gln496Arg). The glutamine residue is highly conserved and there is a small physicochemical difference between glutamine and arginine.